The following is an entry in ClinVar:

ClinVar aggregate classification (germline): Uncertain significance (1 of 4 stars; one submission).

Submission:

GeneDx
Classification: Uncertain significance. Last evaluated: 2024-04-16. Review status: criteria provided, single submitter. Criteria: GeneDx Variant Classification Process June 2021. Collection method: clinical testing. Allele origin: germline. Affected: yes.
Comment: Not observed at significant frequency in large population cohorts (gnomAD); In silico analysis indicates that this missense variant does not alter protein structure/function; Has not been previously published as pathogenic or benign to our knowledge

NM_153252.5(BRWD3):c.3149T>C (p.Ile1050Thr)

Gene: BRWD3 (bromodomain and WD repeat domain containing 3; minus strand). Cytogenetic location: Xq21.1.
Variant type: single nucleotide variant.
Coding change: c.3149T>C on transcript NM_153252.5 (MANE Select); coding-DNA position 3149, T replaced by C.
Protein change: p.Ile1050Thr; replaces isoleucine 1050 with threonine.
Molecular consequence: missense variant.
Genome position (GRCh38, 1-based): chrX:80,695,910, A>G on the plus strand (T>C on the coding strand, the complement: BRWD3 is on the minus strand). VCF-style: chrX-80695910-A-G. GRCh37 (hg19) VCF-style: chrX-79951409-A-G.
Other names: short protein forms I1050T.
Identifiers: ClinVar variation 3372578 (VCV003372578.1).